The following is an entry in ClinVar:

ClinVar aggregate classification (germline): Uncertain significance (1 of 4 stars; one submission).

Conditions:
Epidermolysis bullosa simplex 3, localized or generalized intermediate, with BP230 deficiency (EBS3). Also called: Epidermolysis bullosa simplex, autosomal recessive 2; Epidermolysis bullosa simplex due to BP230 deficiency. Identifiers: Orphanet 412181, MedGen C3809470, MONDO:0014180, OMIM 615425.
Hereditary sensory and autonomic neuropathy type 6. Also called: Neuropathy, hereditary sensory and autonomic, type VI; HSAN VI. Identifiers: Orphanet 314381, MedGen C3539003, MONDO:0013839, OMIM 614653.

Allele frequency attached by ClinVar (database versions not stated): gnomAD exomes below 0.00001; TOPMed below 0.00001; ESP Exome Variant Server 0.00008.
gnomAD v4.1: 4 of 1,597,586 alleles (0.00025%); highest among the groups gnomAD compares: Non-Finnish European, 0.00034%; no homozygotes.

Submission:

Labcorp Genetics (formerly Invitae), Labcorp
Classification: Uncertain significance for Epidermolysis bullosa simplex 3, localized or generalized intermediate, with BP230 deficiency; Hereditary sensory and autonomic neuropathy type 6. Last evaluated: 2019-09-11. Review status: criteria provided, single submitter. Criteria: Invitae Variant Classification Sherloc (09022015). Collection method: clinical testing. Allele origin: germline.
Comment: In summary, the available evidence is currently insufficient to determine the role of this variant in disease. Therefore, it has been classified as a Variant of Uncertain Significance. Algorithms developed to predict the effect of missense changes on protein structure and function are either unavailable or do not agree on the potential impact of this missense change (SIFT: "Deleterious"; PolyPhen-2: "Benign"; Align-GVGD: "Class C15"). This variant has not been reported in the literature in individuals with DST-related conditions. This variant is present in population databases (rs141877181, ExAC 0.002%). This sequence change replaces glutamic acid with lysine at codon 2086 of the DST protein (p.Glu2086Lys). The glutamic acid residue is highly conserved and there is a small physicochemical difference between glutamic acid and lysine.

NM_001723.7(DST):c.6256G>A (p.Glu2086Lys)

Gene: DST (dystonin; minus strand). Cytogenetic location: 6p12.1.
Variant type: single nucleotide variant.
Coding change: c.6256G>A on transcript NM_001723.7 (MANE Plus Clinical); coding-DNA position 6256, G replaced by A.
Protein change: p.Glu2086Lys; replaces glutamic acid 2086 with lysine.
Molecular consequence: missense variant. On other transcripts: intron variant (10).
Genome position (GRCh38, 1-based): chr6:56,617,211, C>T on the plus strand (G>A on the coding strand, the complement: DST is on the minus strand). VCF-style: chr6-56617211-C-T. GRCh37 (hg19) VCF-style: chr6-56482009-C-T.
Other names: c.4831-2727G>A (NM_001144769.5); c.4930-2727G>A (NM_001374722.1, NM_001374736.1); c.4957-2727G>A (NM_001374734.1); c.4417-2727G>A (NM_001144770.2); c.4297-2727G>A (NM_001374730.1, NM_001386100.1, NM_183380.4 and 1 more transcripts); c.3319-2727G>A (NM_015548.5); short protein forms E2086K.
Identifiers: ClinVar variation 964528 (VCV000964528.10), dbSNP rs141877181, ClinGen allele CA3870202.